The following is an entry in ClinVar:

NC_000011.9:g.(?_108099886)_(108143599_?)del

Gene: ATM (ATM serine/threonine kinase; plus strand). Cytogenetic location: 11q22.3.
Variant type: Deletion.
Identifiers: ClinVar variation 1066288 (VCV001066288.7).

ClinVar aggregate classification (germline): Likely pathogenic (1 of 4 stars; one submission).

Conditions:
Ataxia-telangiectasia syndrome (AT). Also called: LOUIS-BAR SYNDROME; Ataxia-telangiectasia, complementation group D; AT, COMPLEMENTATION GROUP C; Cerebello-oculocutaneous telangiectasia; Immunodeficiency with ataxia telangiectasia; ATAXIA-TELANGIECTASIA, COMPLEMENTATION GROUP A. Identifiers: Orphanet 100, MedGen C0004135, MONDO:0008840, OMIM 208900.

Submission:

Labcorp Genetics (formerly Invitae), Labcorp
Classification: Likely pathogenic for Ataxia-telangiectasia syndrome. Last evaluated: 2020-03-12. Review status: criteria provided, single submitter. Criteria: Invitae Variant Classification Sherloc (09022015). Collection method: clinical testing. Allele origin: germline.
Comment: In summary, the currently available evidence indicates that the variant is pathogenic, but additional data are needed to prove that conclusively. Therefore, this variant has been classified as Likely Pathogenic. This variant disrupts the p.Pro292 amino acid residue in ATM. Other variant(s) that disrupt this residue have been determined to be pathogenic (PMID: 19431188, 18634022, 10873394, 30549301, 19431188, 18634022). This suggests that this residue is clinically significant, and that variants that disrupt this residue are likely to be disease-causing. This variant has not been reported in the literature in individuals with ATM-related conditions. This variant is an in-frame deletion of the genomic region encompassing exon(s) 4-22 of the ATM gene. It preserves the integrity of the reading frame.

Literature cited by the submitters: PubMed 19431188; PubMed 18634022; PubMed 10873394; PubMed 30549301.